The following is an entry in ClinVar:

NM_033100.4(CDHR1):c.561C>T (p.Ser187=)

Gene: CDHR1 (cadherin related family member 1; plus strand). Cytogenetic location: 10q23.1.
Variant type: single nucleotide variant.
Coding change: c.561C>T on transcript NM_033100.4 (MANE Select); coding-DNA position 561, C replaced by T.
Protein change: p.Ser187=; no amino-acid change (serine 187 retained).
Molecular consequence: synonymous variant.
Genome position (GRCh38, 1-based): chr10:84,201,842, C>T. VCF-style: chr10-84201842-C-T. GRCh37 (hg19) VCF-style: chr10-85961598-C-T.
Other names: c.561C>T, p.Ser187= (NM_001171971.3); c.561C>T (NM_033100.3).
Identifiers: ClinVar variation 1131184 (VCV001131184.12), dbSNP rs199825352, ClinGen allele CA5579590.
Genomic context (GRCh38, chr10:84,201,842, plus strand): 5'-TCCAGCTGCCCCCTAATTCTTATAGAACCTGCACTCCCCATTTGCCGTGGACCGCCACAG[C>T]GGTGTGCTGCGCCTCCAGGCTGGGGCCACTCTGGACTACGAGAGGTCCCGGACCCACTAC-3'
Protein context (NP_149091.1, residues 177-197): LHSPFAVDRH[Ser187=]GVLRLQAGAT

ClinVar aggregate classification (germline): Likely benign. Review status: criteria provided, multiple submitters, no conflicts (2 of 4 stars). 3 submissions from 3 submitters: Likely benign (2). 1 of the submissions does not count toward it. Last evaluated 2026-01-24.

Conditions:
CDHR1-related disorder. Also called: CDHR1-related condition.

Allele frequency attached by ClinVar (database versions not stated): ExAC 0.00003; gnomAD exomes 0.00005; 1000 Genomes Project 30x 0.00016; 1000 Genomes Project 0.00020.
gnomAD v4.1: 65 of 1,610,170 alleles (0.004%); highest among the groups gnomAD compares: East Asian, 0.033%; no homozygotes.

Submissions (3):

Labcorp Genetics (formerly Invitae), Labcorp
Classification: Likely benign. Last evaluated: 2026-01-24. Review status: criteria provided, single submitter. Criteria: Invitae Variant Classification Sherloc (09022015). Collection method: clinical testing. Allele origin: germline.

Blueprint Genetics
Classification: Likely benign. Last evaluated: 2024-08-02. Review status: criteria provided, single submitter. Criteria: ACMG Guidelines, 2015. Collection method: clinical testing. Allele origin: germline.

PreventionGenetics, part of Exact Sciences
Classification: Likely benign for CDHR1-related condition. Last evaluated: 2019-08-29. Review status: no assertion criteria provided. Collection method: clinical testing. Allele origin: germline. Not counted in ClinVar's aggregate classification.
Comment: This variant is classified as likely benign based on ACMG/AMP sequence variant interpretation guidelines (Richards et al. 2015 PMID: 25741868, with internal and published modifications).